The following is an entry in ClinVar:

NM_018975.4(TERF2IP):c.1181T>C (p.Ile394Thr)

Gene: TERF2IP (TERF2 interacting protein; plus strand). Cytogenetic location: 16q23.1.
Variant type: single nucleotide variant.
Coding change: c.1181T>C on transcript NM_018975.4 (MANE Select); coding-DNA position 1181, T replaced by C.
Protein change: p.Ile394Thr; replaces isoleucine 394 with threonine.
Molecular consequence: missense variant. On other transcripts: non-coding transcript variant (1).
Genome position (GRCh38, 1-based): chr16:75,656,592, T>C. VCF-style: chr16-75656592-T-C. GRCh37 (hg19) VCF-style: chr16-75690490-T-C.
Other names: short protein forms I394T.
Identifiers: ClinVar variation 3455134 (VCV003455134.1).

ClinVar aggregate classification (germline): Uncertain significance (1 of 4 stars; one submission).

gnomAD v4.1: 8 of 1,594,340 alleles (0.0005%); highest among the groups gnomAD compares: East Asian, 0.0067%; no homozygotes.

Submission:

Ambry Genetics
Classification: Uncertain significance. Last evaluated: 2024-11-01. Review status: criteria provided, single submitter. Criteria: Ambry Variant Classification Scheme 2023. Collection method: clinical testing. Allele origin: germline.
Comment: The p.I394T variant (also known as c.1181T>C), located in coding exon 3 of the TERF2IP gene, results from a T to C substitution at nucleotide position 1181. The isoleucine at codon 394 is replaced by threonine, an amino acid with similar properties. This amino acid position is conserved. In addition, this alteration is predicted to be tolerated by in silico analysis. Based on the available evidence, the clinical significance of this variant remains unclear.